The following is an entry in ClinVar:

ClinVar aggregate classification (germline): Benign (0 of 4 stars; one submission).

Conditions:
NCOA1-related disorder. Also called: NCOA1-related condition.

Allele frequency attached by ClinVar (database versions not stated): 1000 Genomes Project 30x 0.00468; 1000 Genomes Project 0.00519; TOPMed 0.01152; gnomAD 0.01159; ESP Exome Variant Server 0.01261; gnomAD exomes 0.01363; ExAC 0.01387.
gnomAD v4.1: 21,769 of 1,612,874 alleles (1.3%); highest among the groups gnomAD compares: Non-Finnish European, 1.5%; 184 homozygotes.

Submission:

PreventionGenetics, part of Exact Sciences
Classification: Benign for NCOA1-related condition. Last evaluated: 2019-07-04. Review status: no assertion criteria provided. Collection method: clinical testing. Allele origin: germline.
Comment: This variant is classified as benign based on ACMG/AMP sequence variant interpretation guidelines (Richards et al. 2015 PMID: 25741868, with internal and published modifications).

NM_003743.5(NCOA1):c.945A>G (p.Gln315=)

Gene: NCOA1 (nuclear receptor coactivator 1; plus strand). Cytogenetic location: 2p23.3.
Variant type: single nucleotide variant.
Coding change: c.945A>G on transcript NM_003743.5 (MANE Select); coding-DNA position 945, A replaced by G.
Protein change: p.Gln315=; no amino-acid change (glutamine 315 retained).
Molecular consequence: synonymous variant.
Genome position (GRCh38, 1-based): chr2:24,697,794, A>G. VCF-style: chr2-24697794-A-G. GRCh37 (hg19) VCF-style: chr2-24920663-A-G.
Other names: c.945A>G, p.Gln315= (NM_001362950.1, NM_001362952.1, NM_001362954.1 and 3 more transcripts).
Identifiers: ClinVar variation 3059318 (VCV003059318.2), dbSNP rs41281513, ClinGen allele CA1552120.